The following is an entry in ClinVar:

ClinVar aggregate classification (germline): Uncertain significance. Review status: criteria provided, multiple submitters, no conflicts (2 of 4 stars). 2 submissions from 2 submitters: Uncertain significance (2). Last evaluated 2023-03-01.

Conditions:
Inborn genetic diseases. Identifiers: MedGen C0950123, MeSH D030342.

Allele frequency attached by ClinVar (database versions not stated): ExAC 0.00004; TOPMed 0.00010; gnomAD 0.00011.
gnomAD v4.1: 22 of 1,614,054 alleles (0.0014%); highest among the groups gnomAD compares: African/African-American, 0.029%; no homozygotes.

Submissions (2):

Ambry Genetics
Classification: Uncertain significance for Inborn genetic diseases. Last evaluated: 2023-03-01. Review status: criteria provided, single submitter. Criteria: Ambry Variant Classification Scheme 2023. Collection method: clinical testing. Allele origin: germline.

Labcorp Genetics (formerly Invitae), Labcorp
Classification: Uncertain significance. Last evaluated: 2022-10-01. Review status: criteria provided, single submitter. Criteria: Invitae Variant Classification Sherloc (09022015). Collection method: clinical testing. Allele origin: germline.
Comment: Algorithms developed to predict the effect of missense changes on protein structure and function are either unavailable or do not agree on the potential impact of this missense change (SIFT: "Tolerated"; PolyPhen-2: "Possibly Damaging"; Align-GVGD: "Class C0"). This sequence change replaces threonine, which is neutral and polar, with lysine, which is basic and polar, at codon 1436 of the CAMTA1 protein (p.Thr1436Lys). This variant is present in population databases (rs758706493, gnomAD 0.03%). This variant has not been reported in the literature in individuals affected with CAMTA1-related conditions. In summary, the available evidence is currently insufficient to determine the role of this variant in disease. Therefore, it has been classified as a Variant of Uncertain Significance.

NM_015215.4(CAMTA1):c.4307C>A (p.Thr1436Lys)

Gene: CAMTA1 (calmodulin binding transcription activator 1; plus strand). Cytogenetic location: 1p36.23.
Variant type: single nucleotide variant.
Coding change: c.4307C>A on transcript NM_015215.4 (MANE Select); coding-DNA position 4307, C replaced by A.
Protein change: p.Thr1436Lys; replaces threonine 1436 with lysine.
Molecular consequence: missense variant.
Genome position (GRCh38, 1-based): chr1:7,744,959, C>A. VCF-style: chr1-7744959-C-A. GRCh37 (hg19) VCF-style: chr1-7805019-C-A.
Other names: c.4307C>A (NM_015215.2); c.4217C>A, p.Thr1406Lys (NM_001349608.2); c.3968C>A, p.Thr1323Lys (NM_001349609.2, NM_001349610.2, NM_001410737.1); c.3878C>A, p.Thr1293Lys (NM_001349612.2); c.1436C>A, p.Thr479Lys (NM_001349613.1); c.1379C>A, p.Thr460Lys (NM_001349614.1, NM_001349615.2, NM_001349616.2 and 2 more transcripts); c.1040C>A, p.Thr347Lys (NM_001349619.2, NM_001349620.1, NM_001349621.1 and 5 more transcripts); c.3896C>A, p.Thr1299Lys (NM_001410738.1); short protein forms T1293K, T1299K, T1323K, T460K, T479K, T1406K, T1436K, T347K.
Identifiers: ClinVar variation 1925658 (VCV001925658.7), dbSNP rs758706493, ClinGen allele CA567118.
Genomic context (GRCh38, chr1:7,744,959, plus strand): 5'-ATTTTGTGCCCATGGAGTCCTCAGGATTGGAAAGAACAGACCCTGCCACCATTAGCAGTA[C>A]AATGAGCTGGCTGGCCAGTTATCTAGCGGATGCTGACTGCCTTCCCAGTGCTGCCCAGAT-3'
Protein context (NP_056030.1, residues 1426-1446): ERTDPATISS[Thr1436Lys]MSWLASYLAD